The following is an entry in ClinVar:

ClinVar aggregate classification (germline): Uncertain significance (1 of 4 stars; one submission).

Conditions:
Idiopathic generalized epilepsy. Also called: EIG; Generalised epilepsy. Identifiers: MedGen C0270850, MONDO:0005579, OMIM 600669.
Hyperaldosteronism, familial, type IV (HALD4). Also called: FH IV; ALDOSTERONISM, PRIMARY, AND HYPERTENSION. Identifiers: Orphanet 642671, MedGen C4310756, MONDO:0014875, OMIM 617027.

Allele frequency attached by ClinVar (database versions not stated): gnomAD exomes below 0.00001; TOPMed below 0.00001; gnomAD 0.00001.

Submission:

Labcorp Genetics (formerly Invitae), Labcorp
Classification: Uncertain significance for Idiopathic generalized epilepsy; Hyperaldosteronism, familial, type IV. Last evaluated: 2023-02-02. Review status: criteria provided, single submitter. Criteria: Invitae Variant Classification Sherloc (09022015). Collection method: clinical testing. Allele origin: germline.
Comment: This variant disrupts the p.Met1549 amino acid residue in CACNA1H. Other variant(s) that disrupt this residue have been determined to be pathogenic (PMID: 25907736, 27729216). This suggests that this residue is clinically significant, and that variants that disrupt this residue are likely to be disease-causing. In summary, the available evidence is currently insufficient to determine the role of this variant in disease. Therefore, it has been classified as a Variant of Uncertain Significance. Advanced modeling of protein sequence and biophysical properties (such as structural, functional, and spatial information, amino acid conservation, physicochemical variation, residue mobility, and thermodynamic stability) performed at Invitae indicates that this missense variant is expected to disrupt CACNA1H protein function. ClinVar contains an entry for this variant (Variation ID: 570710). This missense change has been observed in individual(s) with hypertension (Invitae). This variant is present in population databases (no rsID available, gnomAD 0.004%). This sequence change replaces methionine, which is neutral and non-polar, with threonine, which is neutral and polar, at codon 1549 of the CACNA1H protein (p.Met1549Thr).

Literature cited by the submitters: PubMed 25907736; PubMed 27729216.

NM_021098.3(CACNA1H):c.4646T>C (p.Met1549Thr)

Gene: CACNA1H (calcium voltage-gated channel subunit alpha1 H; plus strand). Cytogenetic location: 16p13.3.
Variant type: single nucleotide variant.
Coding change: c.4646T>C on transcript NM_021098.3 (MANE Select); coding-DNA position 4646, T replaced by C.
Protein change: p.Met1549Thr; replaces methionine 1549 with threonine.
Molecular consequence: missense variant.
Genome position (GRCh38, 1-based): chr16:1,212,025, T>C. VCF-style: chr16-1212025-T-C. GRCh37 (hg19) VCF-style: chr16-1262025-T-C.
Other names: c.4646T>C, p.Met1549Thr (NM_001005407.2); short protein forms M1549T.
Identifiers: ClinVar variation 570710 (VCV000570710.7), dbSNP rs1195869438, ClinGen allele CA394180832.